The following is an entry in ClinVar:

ClinVar aggregate classification (germline): Uncertain significance (1 of 4 stars; one submission).

Conditions:
Neurofibromatosis, type 1 (NF1). Also called: Peripheral type neurofibromatosis; VON RECKLINGHAUSEN DISEASE; Neurofibromatosis, type I; NEUROFIBROMATOSIS, TYPE I, SOMATIC. Identifiers: Orphanet 636, MedGen C0027831, MONDO:0018975, OMIM 162200. Disease mechanism: loss of function.

Submission:

Labcorp Genetics (formerly Invitae), Labcorp
Classification: Uncertain significance for Neurofibromatosis, type 1. Last evaluated: 2023-12-14. Review status: criteria provided, single submitter. Criteria: Invitae Variant Classification Sherloc (09022015). Collection method: clinical testing. Allele origin: germline.
Comment: This sequence change replaces leucine, which is neutral and non-polar, with glutamine, which is neutral and polar, at codon 1716 of the NF1 protein (p.Leu1716Gln). This variant is not present in population databases (gnomAD no frequency). This variant has not been reported in the literature in individuals affected with NF1-related conditions. Advanced modeling of protein sequence and biophysical properties (such as structural, functional, and spatial information, amino acid conservation, physicochemical variation, residue mobility, and thermodynamic stability) performed at Invitae indicates that this missense variant is expected to disrupt NF1 protein function with a positive predictive value of 95%. In summary, the available evidence is currently insufficient to determine the role of this variant in disease. Therefore, it has been classified as a Variant of Uncertain Significance.

NM_001042492.3(NF1):c.5210T>A (p.Leu1737Gln)

Gene: NF1 (neurofibromin 1; plus strand). Cytogenetic location: 17q11.2.
Variant type: single nucleotide variant.
Coding change: c.5210T>A on transcript NM_001042492.3 (MANE Select); coding-DNA position 5210, T replaced by A.
Protein change: p.Leu1737Gln; replaces leucine 1737 with glutamine.
Molecular consequence: missense variant.
Genome position (GRCh38, 1-based): chr17:31,326,194, T>A. VCF-style: chr17-31326194-T-A. GRCh37 (hg19) VCF-style: chr17-29653212-T-A.
Other names: c.5147T>A, p.Leu1716Gln (NM_000267.4); short protein forms L1737Q, L1716Q.
Identifiers: ClinVar variation 2703030 (VCV002703030.3), dbSNP rs2508698227, ClinGen allele CA399008145.